The following is an entry in ClinVar:

NM_001378615.1(CC2D2A):c.3671G>A (p.Arg1224Gln)

Genes: CC2D2A (coiled-coil and C2 domain containing 2A; plus strand), FBXL5 (F-box and leucine rich repeat protein 5; minus strand). Cytogenetic location: 4p15.32.
Variant type: single nucleotide variant.
Coding change: c.3671G>A on transcript NM_001378615.1 (MANE Select); coding-DNA position 3671, G replaced by A.
Protein change: p.Arg1224Gln; replaces arginine 1224 with glutamine.
Molecular consequence: missense variant.
Genome position (GRCh38, 1-based): chr4:15,574,226, G>A. VCF-style: chr4-15574226-G-A. GRCh37 (hg19) VCF-style: chr4-15575849-G-A.
Other names: c.3671G>A, p.Arg1224Gln (NM_001080522.2); c.3524G>A, p.Arg1175Gln (NM_001378617.1); short protein forms R1224Q, R1175Q.
Identifiers: ClinVar variation 1040165 (VCV001040165.6), dbSNP rs892274416, ClinGen allele CA92519130.

ClinVar aggregate classification (germline): Uncertain significance (1 of 4 stars; one submission).

Conditions:
Joubert syndrome. Also called: JOUBERT-BOLTSHAUSER SYNDROME; Familial aplasia of the vermis. Identifiers: Orphanet 475, MedGen C5979921, MONDO:0018772.
Meckel-Gruber syndrome. Also called: Dysencephalia splachnocystica; DYSENCEPHALIA SPLANCHNOCYSTICA; GRUBER SYNDROME. Identifiers: Orphanet 564, MedGen C0265215, MONDO:0018921.

Allele frequency attached by ClinVar (database versions not stated): gnomAD 0.00001; gnomAD exomes 0.00001; TOPMed 0.00004.
gnomAD v4.1: 18 of 1,551,282 alleles (0.0012%); highest among the groups gnomAD compares: Middle Eastern, 0.017%; no homozygotes.

Submission:

Labcorp Genetics (formerly Invitae), Labcorp
Classification: Uncertain significance for Joubert syndrome; Meckel-Gruber syndrome. Last evaluated: 2022-10-05. Review status: criteria provided, single submitter. Criteria: Invitae Variant Classification Sherloc (09022015). Collection method: clinical testing. Allele origin: germline.
Comment: This sequence change replaces arginine, which is basic and polar, with glutamine, which is neutral and polar, at codon 1224 of the CC2D2A protein (p.Arg1224Gln). This variant is present in population databases (no rsID available, gnomAD 0.004%). This variant has not been reported in the literature in individuals affected with CC2D2A-related conditions. ClinVar contains an entry for this variant (Variation ID: 1040165). Algorithms developed to predict the effect of missense changes on protein structure and function (SIFT, PolyPhen-2, Align-GVGD) all suggest that this variant is likely to be tolerated. Algorithms developed to predict the effect of sequence changes on RNA splicing suggest that this variant may create or strengthen a splice site. In summary, the available evidence is currently insufficient to determine the role of this variant in disease. Therefore, it has been classified as a Variant of Uncertain Significance.